The following is an entry in ClinVar:

NM_182961.4(SYNE1):c.4976+115dup

Gene: SYNE1 (spectrin repeat containing nuclear envelope protein 1; minus strand). Cytogenetic location: 6q25.2.
Variant type: Duplication.
Coding change: c.4976+115dup on transcript NM_182961.4 (MANE Select); 115 bases into the intron after coding-DNA position 4976, one base duplicated (T; older notation c.4976+115dupT).
Molecular consequence: intron variant.
Genome position (GRCh38, 1-based): chr6:152,428,090, A duplicated on the plus strand (T on the coding strand, the reverse complement: SYNE1 is on the minus strand). VCF-style (leftmost placement, unchanged base first): chr6-152428089-G-GA. GRCh37 (hg19) VCF-style: chr6-152749224-G-GA.
Other names: c.4997+115dup (NM_033071.5); c.4997+115dupT (NM_033071.3).
Identifiers: ClinVar variation 670640 (VCV000670640.1), dbSNP rs35511623, ClinGen allele CA150217693.

ClinVar aggregate classification (germline): Likely benign (1 of 4 stars; one submission).

Allele frequency attached by ClinVar (database versions not stated): 1000 Genomes Project 0.01058; 1000 Genomes Project 30x 0.01093; TOPMed 0.01946; gnomAD 0.01971 and 0.02017; gnomAD exomes 0.02715.

Submission:

GeneDx
Classification: Likely benign. Last evaluated: 2018-06-14. Review status: criteria provided, single submitter. Criteria: GeneDx Variant Classification (06012015). Collection method: clinical testing. Allele origin: germline. Affected: yes.
Comment: This variant is considered likely benign or benign based on one or more of the following criteria: it is a conservative change, it occurs at a poorly conserved position in the protein, it is predicted to be benign by multiple in silico algorithms, and/or has population frequency not consistent with disease.